The following is an entry in ClinVar:

NM_002049.4(GATA1):c.173_174insCGCTGCGC (p.Leu60fs)

Gene: GATA1 (GATA binding protein 1; plus strand). Cytogenetic location: Xp11.23.
Variant type: Insertion.
Coding change: c.173_174insCGCTGCGC on transcript NM_002049.4 (MANE Select); coding-DNA positions 173 to 174, CGCTGCGC inserted.
Protein change: p.Leu60fs; shifts the reading frame from leucine 60.
Molecular consequence: frameshift variant.
Genome position: GRCh38 VCF-style: chrX-48791280-T-TGCCGCTGC. GRCh37 (hg19) VCF-style: chrX-48649687-T-TGCCGCTGC.
Other names: short protein forms L60fs.
Identifiers: ClinVar variation 1428144 (VCV001428144.6), dbSNP rs2147305721, ClinGen allele CA2573158945.

ClinVar aggregate classification (germline): Pathogenic (1 of 4 stars; one submission).

Conditions:
GATA binding protein 1 related thrombocytopenia with dyserythropoiesis. Also called: GATA1-Related Cytopenia; GATA1-Related X-Linked Cytopenia. Identifiers: MedGen C1845837, MONDO:0100089.
Diamond-Blackfan anemia. Also called: Blackfan Diamond syndrome; Aregenerative anemia chronic congenital; Red cell aplasia, pure hereditary; Congenital hypoplastic anemia; Aase syndrome. Identifiers: Orphanet 124, MedGen C1260899, MeSH D029503, MONDO:0015253, HP:0004810.

Submission:

Labcorp Genetics (formerly Invitae), Labcorp
Classification: Pathogenic for GATA binding protein 1 related thrombocytopenia with dyserythropoiesis; Diamond-Blackfan anemia. Last evaluated: 2021-07-03. Review status: criteria provided, single submitter. Criteria: Invitae Variant Classification Sherloc (09022015). Collection method: clinical testing. Allele origin: germline.
Comment: This sequence change creates a premature translational stop signal (p.Leu60Alafs*80) in the GATA1 gene. It is expected to result in an absent or disrupted protein product. Loss-of-function variants in GATA1 are known to be pathogenic (PMID: 16783379, 22706301, 23704091, 24453067). This variant is not present in population databases (ExAC no frequency). This variant has not been reported in the literature in individuals affected with GATA1-related conditions. For these reasons, this variant has been classified as Pathogenic.

Literature cited by the submitters: PubMed 16783379; PubMed 22706301; PubMed 23704091; PubMed 24453067.